The following is an entry in ClinVar:

NM_000452.3(SLC10A2):c.536G>T (p.Gly179Val)

Gene: SLC10A2 (solute carrier family 10 member 2; minus strand). Cytogenetic location: 13q33.1.
Variant type: single nucleotide variant.
Coding change: c.536G>T on transcript NM_000452.3 (MANE Select); coding-DNA position 536, G replaced by T.
Protein change: p.Gly179Val; replaces glycine 179 with valine.
Molecular consequence: missense variant.
Genome position (GRCh38, 1-based): chr13:103,052,669, C>A on the plus strand (G>T on the coding strand, the complement: SLC10A2 is on the minus strand). VCF-style: chr13-103052669-C-A. GRCh37 (hg19) VCF-style: chr13-103705019-C-A.
Other names: short protein forms G179V.
Identifiers: ClinVar variation 4744091 (VCV004744091.1).
Genomic context (GRCh38, chr13:103,052,669, plus strand): 5'-GGGATACTTACTTTAAGTATGATCTTTGCTTTTTGGGGCCATTTGTGATTAACAAACATT[C>A]CAATGGAAACAGGAACAACGAGAGAAACCAGAGATGTACCTAAAGATGACAGAAGGGCAA-3'
Protein context (NP_000443.2, residues 169-189): LVSLVVPVSI[Gly179Val]MFVNHKWPQK

ClinVar aggregate classification (germline): Uncertain significance (1 of 4 stars; one submission).

gnomAD v4.1: 1 of 1,612,462 alleles (0.000062%); highest among the groups gnomAD compares: Non-Finnish European, 0.000085%; no homozygotes.

Submission:

Labcorp Genetics (formerly Invitae), Labcorp
Classification: Uncertain significance. Last evaluated: 2025-06-19. Review status: criteria provided, single submitter. Criteria: Invitae Variant Classification Sherloc (09022015). Collection method: clinical testing. Allele origin: germline.
Comment: This sequence change replaces glycine, which is neutral and non-polar, with valine, which is neutral and non-polar, at codon 179 of the SLC10A2 protein (p.Gly179Val). This variant is not present in population databases (gnomAD no frequency). This variant has not been reported in the literature in individuals affected with SLC10A2-related conditions. Invitae Evidence Modeling of protein sequence and biophysical properties (such as structural, functional, and spatial information, amino acid conservation, physicochemical variation, residue mobility, and thermodynamic stability) indicates that this missense variant is expected to disrupt SLC10A2 protein function with a positive predictive value of 80%. Algorithms developed to predict the effect of sequence changes on RNA splicing suggest that this variant may disrupt the consensus splice site. In summary, the available evidence is currently insufficient to determine the role of this variant in disease. Therefore, it has been classified as a Variant of Uncertain Significance.